The following is an entry in ClinVar:

ClinVar aggregate classification (germline): Uncertain significance (1 of 4 stars; one submission).

Conditions:
Hypertrophic cardiomyopathy. Also called: HYPERTROPHIC MYOCARDIOPATHY. Identifiers: Orphanet 217569, MedGen C0007194, MeSH D002312, MONDO:0005045, HP:0001639.

Submission:

Labcorp Genetics (formerly Invitae), Labcorp
Classification: Uncertain significance for Hypertrophic cardiomyopathy. Last evaluated: 2022-08-22. Review status: criteria provided, single submitter. Criteria: Invitae Variant Classification Sherloc (09022015). Collection method: clinical testing. Allele origin: germline.
Comment: This sequence change replaces glutamic acid, which is acidic and polar, with alanine, which is neutral and non-polar, at codon 1123 of the MYH7 protein (p.Glu1123Ala). In summary, the available evidence is currently insufficient to determine the role of this variant in disease. Therefore, it has been classified as a Variant of Uncertain Significance. Algorithms developed to predict the effect of missense changes on protein structure and function are either unavailable or do not agree on the potential impact of this missense change (SIFT: "Deleterious"; PolyPhen-2: "Probably Damaging"; Align-GVGD: "Class C0"). This variant has not been reported in the literature in individuals affected with MYH7-related conditions. This variant is not present in population databases (gnomAD no frequency).

NM_000257.4(MYH7):c.3368A>C (p.Glu1123Ala)

Gene: MYH7 (myosin heavy chain 7; minus strand). Cytogenetic location: 14q11.2.
Variant type: single nucleotide variant.
Coding change: c.3368A>C on transcript NM_000257.4 (MANE Select); coding-DNA position 3368, A replaced by C.
Protein change: p.Glu1123Ala; replaces glutamic acid 1123 with alanine.
Molecular consequence: missense variant.
Genome position (GRCh38, 1-based): chr14:23,420,203, T>G on the plus strand (A>C on the coding strand, the complement: MYH7 is on the minus strand). VCF-style: chr14-23420203-T-G. GRCh37 (hg19) VCF-style: chr14-23889412-T-G.
Other names: c.3368A>C, p.Glu1123Ala (NM_001407004.1); short protein forms E1123A.
Identifiers: ClinVar variation 1717610 (VCV001717610.5), dbSNP rs2502265315, ClinGen allele CA389044116.
Genomic context (GRCh38, chr14:23,420,203, plus strand): 5'-AGCTCCCGAGACAGGTCTGAGCGCAGCTTCTCCACCTTAGCCCTGGCGGTGCGCTCGGCC[T>G]CCAGCTCCTCCTCCAGCTCCTCGATGCGTGCCTGGTCAGACACAAAGGGCTCAGACCCAC-3'
Protein context (NP_000248.2, residues 1113-1133): ARIEELEEEL[Glu1123Ala]AERTARAKVE